The following is an entry in ClinVar:

NM_001378120.1(MBD5):c.302T>C (p.Ile101Thr)

Gene: MBD5 (methyl-CpG binding domain protein 5; plus strand). Cytogenetic location: 2q23.1.
Variant type: single nucleotide variant.
Coding change: c.302T>C on transcript NM_001378120.1 (MANE Select); coding-DNA position 302, T replaced by C.
Protein change: p.Ile101Thr; replaces isoleucine 101 with threonine.
Molecular consequence: missense variant.
Genome position (GRCh38, 1-based): chr2:148,463,824, T>C. VCF-style: chr2-148463824-T-C. GRCh37 (hg19) VCF-style: chr2-149221393-T-C.
Other names: c.302T>C, p.Ile101Thr (NM_018328.5); short protein forms I101T.
Identifiers: ClinVar variation 566765 (VCV000566765.9), dbSNP rs1559083106, ClinGen allele CA348716503.

ClinVar aggregate classification (germline): Uncertain significance (1 of 4 stars; one submission).

Conditions:
Intellectual developmental disorder, autosomal dominant 1. Also called: Intellectual disability, autosomal dominant 1; MBD5 Haploinsufficiency. Identifiers: Orphanet 228402, MedGen C1969562, MONDO:0007974, OMIM 156200.

Submission:

Labcorp Genetics (formerly Invitae), Labcorp
Classification: Uncertain significance for Intellectual developmental disorder, autosomal dominant 1. Last evaluated: 2022-10-17. Review status: criteria provided, single submitter. Criteria: Invitae Variant Classification Sherloc (09022015). Collection method: clinical testing. Allele origin: germline.
Comment: In summary, the available evidence is currently insufficient to determine the role of this variant in disease. Therefore, it has been classified as a Variant of Uncertain Significance. Algorithms developed to predict the effect of missense changes on protein structure and function (SIFT, PolyPhen-2, Align-GVGD) all suggest that this variant is likely to be tolerated. ClinVar contains an entry for this variant (Variation ID: 566765). This variant has not been reported in the literature in individuals affected with MBD5-related conditions. This variant is not present in population databases (gnomAD no frequency). This sequence change replaces isoleucine, which is neutral and non-polar, with threonine, which is neutral and polar, at codon 101 of the MBD5 protein (p.Ile101Thr).